The following is an entry in ClinVar:

NM_025114.4(CEP290):c.7020G>A (p.Glu2340=)

Gene: CEP290 (centrosomal protein 290; minus strand). Cytogenetic location: 12q21.32.
Variant type: single nucleotide variant.
Coding change: c.7020G>A on transcript NM_025114.4 (MANE Select); coding-DNA position 7020, G replaced by A.
Protein change: p.Glu2340=; no amino-acid change (glutamic acid 2340 retained).
Molecular consequence: synonymous variant.
Genome position (GRCh38, 1-based): chr12:88,054,354, C>T on the plus strand (G>A on the coding strand, the complement: CEP290 is on the minus strand). VCF-style: chr12-88054354-C-T. GRCh37 (hg19) VCF-style: chr12-88448131-C-T.
Identifiers: ClinVar variation 754794 (VCV000754794.9), dbSNP rs749716804, ClinGen allele CA6711376.

ClinVar aggregate classification (germline): Likely benign. Review status: criteria provided, multiple submitters, no conflicts (2 of 4 stars). 2 submissions from 2 submitters: Likely benign (2). Last evaluated 2026-01-20.

Conditions:
Nephronophthisis. Also called: Juvenile Nephronophthisis. Identifiers: Orphanet 655, MedGen C0687120, MONDO:0019005, HP:0000090.
Meckel-Gruber syndrome. Also called: DYSENCEPHALIA SPLANCHNOCYSTICA; GRUBER SYNDROME; Dysencephalia splachnocystica. Identifiers: Orphanet 564, MedGen C0265215, MONDO:0018921.
Joubert syndrome. Also called: JOUBERT-BOLTSHAUSER SYNDROME; Familial aplasia of the vermis. Identifiers: Orphanet 475, MedGen C5979921, MONDO:0018772.
CEP290-related disorder. Also called: CEP290-related condition; CEP290-related disorders. Identifiers: MedGen CN239314.

Allele frequency attached by ClinVar (database versions not stated): ExAC 0.00001; gnomAD exomes 0.00001.
gnomAD v4.1: 2 of 1,604,020 alleles (0.00012%); highest among the groups gnomAD compares: Admixed American, 0.0034%; no homozygotes.

Submissions (2):

Labcorp Genetics (formerly Invitae), Labcorp
Classification: Likely benign for Joubert syndrome; Meckel-Gruber syndrome; Nephronophthisis. Last evaluated: 2026-01-20. Review status: criteria provided, single submitter. Criteria: Invitae Variant Classification Sherloc (09022015). Collection method: clinical testing. Allele origin: germline.

PreventionGenetics, part of Exact Sciences
Classification: Likely benign for CEP290-related condition. Last evaluated: 2025-04-21. Review status: criteria provided, single submitter. Criteria: ACMG Guidelines, 2015. Collection method: clinical testing. Allele origin: germline.
Comment: This variant is classified as likely benign based on ACMG/AMP sequence variant interpretation guidelines (Richards et al. 2015 PMID: 25741868, with internal and published modifications).